The following is an entry in ClinVar:

ClinVar aggregate classification (germline): Uncertain significance (1 of 4 stars; one submission).

Conditions:
Ehlers-Danlos syndrome, classic type, 1 (EDSCL1). Also called: EHLERS-DANLOS SYNDROME, GRAVIS TYPE; EHLERS-DANLOS SYNDROME, SEVERE CLASSIC TYPE; EDS I; Ehlers-Danlos Syndrome, Classic Type, COL5A1-Related; Ehlers-Danlos syndrome, type 1. Identifiers: MedGen C0268335, MONDO:0019567, OMIM 130000.

Allele frequency attached by ClinVar (database versions not stated): gnomAD exomes below 0.00001; ExAC 0.00001.

Submission:

Labcorp Genetics (formerly Invitae), Labcorp
Classification: Uncertain significance for Ehlers-Danlos syndrome, classic type, 1. Last evaluated: 2018-03-23. Review status: criteria provided, single submitter. Criteria: Invitae Variant Classification Sherloc (09022015). Collection method: clinical testing. Allele origin: germline.
Comment: In summary, the available evidence is currently insufficient to determine the role of this variant in disease. Therefore, it has been classified as a Variant of Uncertain Significance. Nucleotide substitutions within the consensus splice site are a relatively common cause of aberrant splicing (PMID: 17576681, 9536098). Algorithms developed to predict the effect of sequence changes on RNA splicing suggest that this variant may disrupt the consensus splice site, but this prediction has not been confirmed by published transcriptional studies. This variant has not been reported in the literature in individuals with COL5A2-related disease. This variant is present in population databases (rs752557532, ExAC 0.002%). This sequence change falls in intron 15 of the COL5A2 gene. It does not directly change the encoded amino acid sequence of the COL5A2 protein, but it affects a nucleotide within the consensus splice site of the intron.

Literature cited by the submitters: PubMed 17576681; PubMed 9536098.

NM_000393.5(COL5A2):c.1005+5G>T

Gene: COL5A2 (collagen type V alpha 2 chain; minus strand). Cytogenetic location: 2q32.2.
Variant type: single nucleotide variant.
Coding change: c.1005+5G>T on transcript NM_000393.5 (MANE Select); 5 bases into the intron after coding-DNA position 1005, G replaced by T.
Molecular consequence: intron variant.
Genome position (GRCh38, 1-based): chr2:189,079,058, C>A on the plus strand (G>T on the coding strand, the complement: COL5A2 is on the minus strand). VCF-style: chr2-189079058-C-A. GRCh37 (hg19) VCF-style: chr2-189943784-C-A.
Identifiers: ClinVar variation 1055389 (VCV001055389.8), dbSNP rs752557532, ClinGen allele CA2022871.